The following is an entry in ClinVar:

ClinVar aggregate classification (germline): Uncertain significance (1 of 4 stars; one submission).

Submission:

Ambry Genetics
Classification: Uncertain significance. Last evaluated: 2023-08-01. Review status: criteria provided, single submitter. Criteria: Ambry Variant Classification Scheme 2023. Collection method: clinical testing. Allele origin: germline.
Comment: The p.E3460A variant (also known as c.10379A>C), located in coding exon 73 of the PRKDC gene, results from an A to C substitution at nucleotide position 10379. The glutamic acid at codon 3460 is replaced by alanine, an amino acid with dissimilar properties. This amino acid position is conserved. In addition, this alteration is predicted to be tolerated by in silico analysis. Since supporting evidence is limited at this time, the clinical significance of this alteration remains unclear.

NM_006904.7(PRKDC):c.10379A>C (p.Glu3460Ala)

Gene: PRKDC (protein kinase, DNA-activated, catalytic subunit; minus strand). Cytogenetic location: 8q11.21.
Variant type: single nucleotide variant.
Coding change: c.10379A>C on transcript NM_006904.7 (MANE Select); coding-DNA position 10379, A replaced by C.
Protein change: p.Glu3460Ala; replaces glutamic acid 3460 with alanine.
Molecular consequence: missense variant.
Genome position (GRCh38, 1-based): chr8:47,798,316, T>G on the plus strand (A>C on the coding strand, the complement: PRKDC is on the minus strand). VCF-style: chr8-47798316-T-G. GRCh37 (hg19) VCF-style: chr8-48710877-T-G.
Other names: c.10379A>C, p.Glu3460Ala (NM_001081640.2); short protein forms E3460A.
Identifiers: ClinVar variation 2626348 (VCV002626348.2), dbSNP rs2551862538, ClinGen allele CA371134936.